The following is an entry in ClinVar:

ClinVar aggregate classification (germline): Uncertain significance. Review status: criteria provided, multiple submitters, no conflicts (2 of 4 stars). 3 submissions from 3 submitters: Uncertain significance (3). Last evaluated 2025-11-17.

Conditions:
Basal cell carcinoma, susceptibility to, 1. Also called: BCC1. Identifiers: MedGen C2751544, MONDO:0011556, OMIM 605462.
Basal cell nevus syndrome 1 (BCNS1). Also called: GORLIN-GOLTZ SYNDROME; MULTIPLE BASAL CELL NEVI, ODONTOGENIC KERATOCYSTS, AND SKELETAL ANOMALIES. Identifiers: MedGen CN376810, MONDO:0958174, OMIM 109400.
Holoprosencephaly 7 (HPE7). Identifiers: Orphanet 2162, MedGen C1835820, MONDO:0012562, OMIM 610828.
Gorlin syndrome. Also called: Nevoid Basal Cell Carcinoma Syndrome; Basal cell nevus syndrome. Identifiers: Orphanet 377, MedGen C0004779, MONDO:0007187.
Hereditary cancer-predisposing syndrome. Also called: Hereditary neoplastic syndrome; Neoplastic Syndromes, Hereditary; Tumor predisposition; Hereditary Cancer Syndrome. Identifiers: Orphanet 140162, MedGen C0027672, MeSH D009386, MONDO:0015356.

Allele frequency attached by ClinVar (database versions not stated): TOPMed 0.00001.
gnomAD v4.1: 2 of 1,611,024 alleles (0.00012%); highest among the groups gnomAD compares: African/African-American, 0.0013%; no homozygotes.

Submissions (3):

Ambry Genetics
Classification: Uncertain significance for Hereditary cancer-predisposing syndrome. Last evaluated: 2025-11-17. Review status: criteria provided, single submitter. Criteria: Ambry Variant Classification Scheme 2023. Collection method: clinical testing. Allele origin: germline.
Comment: The p.R47G variant (also known as c.139C>G), located in coding exon 1 of the PTCH1 gene, results from a C to G substitution at nucleotide position 139. The arginine at codon 47 is replaced by glycine, an amino acid with dissimilar properties. This amino acid position is not well conserved in available vertebrate species. In addition, this alteration is predicted to be tolerated by in silico analysis. Since supporting evidence is limited at this time, the clinical significance of this alteration remains unclear.

Labcorp Genetics (formerly Invitae), Labcorp
Classification: Uncertain significance for Gorlin syndrome. Last evaluated: 2025-02-19. Review status: criteria provided, single submitter. Criteria: Invitae Variant Classification Sherloc (09022015). Collection method: clinical testing. Allele origin: germline.
Comment: This sequence change replaces arginine, which is basic and polar, with glycine, which is neutral and non-polar, at codon 47 of the PTCH1 protein (p.Arg47Gly). This variant is not present in population databases (gnomAD no frequency). This variant has not been reported in the literature in individuals affected with PTCH1-related conditions. ClinVar contains an entry for this variant (Variation ID: 409203). Invitae Evidence Modeling of protein sequence and biophysical properties (such as structural, functional, and spatial information, amino acid conservation, physicochemical variation, residue mobility, and thermodynamic stability) indicates that this missense variant is not expected to disrupt PTCH1 protein function with a negative predictive value of 95%. In summary, the available evidence is currently insufficient to determine the role of this variant in disease. Therefore, it has been classified as a Variant of Uncertain Significance.

Fulgent Genetics
Classification: Uncertain significance for Basal cell nevus syndrome 1; Basal cell carcinoma, susceptibility to, 1; Holoprosencephaly 7. Last evaluated: 2024-06-21. Review status: criteria provided, single submitter. Criteria: ACMG Guidelines, 2015. Collection method: clinical testing. Allele origin: germline.

NM_000264.5(PTCH1):c.139C>G (p.Arg47Gly)

Genes: PTCH1 (patched 1; minus strand), LOC130002133 (ATAC-STARR-seq lymphoblastoid silent region 20071; plus strand). Cytogenetic location: 9q22.32.
Variant type: single nucleotide variant.
Coding change: c.139C>G on transcript NM_000264.5 (MANE Select); coding-DNA position 139, C replaced by G.
Protein change: p.Arg47Gly; replaces arginine 47 with glycine.
Molecular consequence: missense variant. On other transcripts: non-coding transcript variant (1), intron variant (3).
Genome position (GRCh38, 1-based): chr9:95,508,223, G>C on the plus strand (C>G on the coding strand, the complement: PTCH1 is on the minus strand). VCF-style: chr9-95508223-G-C. GRCh37 (hg19) VCF-style: chr9-98270505-G-C.
Other names: c.139C>G, p.Arg47Gly (NM_001354918.2); c.199-1624C>G (NM_001083603.3); c.4-1624C>G (NM_001083602.3, NM_001354919.2); short protein forms R47G.
Identifiers: ClinVar variation 409203 (VCV000409203.13), dbSNP rs138729094, ClinGen allele CA16612693.